The following is an entry in ClinVar:

NM_001987.5(ETV6):c.1097A>G (p.Lys366Arg)

Genes: ETV6 (ETS variant transcription factor 6; plus strand), LOC126861452 (CDK7 strongly-dependent group 2 enhancer GRCh37_chr12:12037195-12038394; plus strand). Cytogenetic location: 12p13.2.
Variant type: single nucleotide variant.
Coding change: c.1097A>G on transcript NM_001987.5 (MANE Select); coding-DNA position 1097, A replaced by G.
Protein change: p.Lys366Arg; replaces lysine 366 with arginine.
Molecular consequence: missense variant. On other transcripts: intron variant (1).
Genome position (GRCh38, 1-based): chr12:11,884,532, A>G. VCF-style: chr12-11884532-A-G. GRCh37 (hg19) VCF-style: chr12-12037466-A-G.
Other names: c.1094A>G, p.Lys365Arg (NM_001413913.1); c.1070A>G, p.Lys357Arg (NM_001413914.1); c.833A>G, p.Lys278Arg (NM_001413915.1); c.1010-6409A>G (NM_001413917.1); short protein forms K357R, K366R, K278R, K365R.
Identifiers: ClinVar variation 5036227 (VCV005036227.1).

ClinVar aggregate classification (germline): Uncertain significance (1 of 4 stars; one submission).

Conditions:
Inborn genetic diseases. Identifiers: MedGen C0950123, MeSH D030342.

Submission:

Ambry Genetics
Classification: Uncertain significance for Inborn genetic diseases. Last evaluated: 2026-08-31. Review status: criteria provided, single submitter. Criteria: Ambry Variant Classification Scheme 2023. Collection method: clinical testing. Allele origin: germline.
Comment: The p.K366R variant (also known as c.1097A>G), located in coding exon 6 of the ETV6 gene, results from an A to G substitution at nucleotide position 1097. The lysine at codon 366 is replaced by arginine, an amino acid with highly similar properties. This amino acid position is conserved. In addition, this alteration is predicted to be tolerated by in silico analysis. Based on the available evidence, the clinical significance of this variant remains unclear.